The following is an entry in ClinVar:

NM_002528.7(NTHL1):c.25C>G (p.Leu9Val)

Gene: NTHL1 (nth like DNA glycosylase 1; minus strand). Cytogenetic location: 16p13.3.
Variant type: single nucleotide variant.
Coding change: c.25C>G on transcript NM_002528.7 (MANE Select); coding-DNA position 25, C replaced by G.
Protein change: p.Leu9Val; replaces leucine 9 with valine.
Molecular consequence: missense variant. On other transcripts: 5 prime UTR variant (1).
Genome position (GRCh38, 1-based): chr16:2,047,799, G>C on the plus strand (C>G on the coding strand, the complement: NTHL1 is on the minus strand). VCF-style: chr16-2047799-G-C. GRCh37 (hg19) VCF-style: chr16-2097800-G-C.
Other names: c.25C>G, p.Leu9Val (LRG_1366t1, NM_001318193.2); c.-154C>G (NM_001318194.2); short protein forms L9V.
Identifiers: ClinVar variation 647971 (VCV000647971.7), dbSNP rs1596228271, ClinGen allele CA394298590.

ClinVar aggregate classification (germline): Uncertain significance (1 of 4 stars; one submission).

Submission:

Labcorp Genetics (formerly Invitae), Labcorp
Classification: Uncertain significance. Last evaluated: 2024-11-14. Review status: criteria provided, single submitter. Criteria: Invitae Variant Classification Sherloc (09022015). Collection method: clinical testing. Allele origin: germline.
Comment: This sequence change replaces leucine, which is neutral and non-polar, with valine, which is neutral and non-polar, at codon 17 of the NTHL1 protein (p.Leu17Val). This variant is not present in population databases (gnomAD no frequency). This variant has not been reported in the literature in individuals affected with NTHL1-related conditions. ClinVar contains an entry for this variant (Variation ID: 647971). An algorithm developed to predict the effect of missense changes on protein structure and function outputs the following: PolyPhen-2: "Benign". The valine amino acid residue is found in multiple mammalian species, which suggests that this missense change does not adversely affect protein function. In summary, the available evidence is currently insufficient to determine the role of this variant in disease. Therefore, it has been classified as a Variant of Uncertain Significance.